The following is an entry in ClinVar:

NM_020843.4(SCAPER):c.1373A>G (p.Glu458Gly)

Gene: SCAPER (S-phase cyclin A associated protein in the ER; minus strand). Cytogenetic location: 15q24.3.
Variant type: single nucleotide variant.
Coding change: c.1373A>G on transcript NM_020843.4 (MANE Select); coding-DNA position 1373, A replaced by G.
Protein change: p.Glu458Gly; replaces glutamic acid 458 with glycine.
Molecular consequence: missense variant. On other transcripts: non-coding transcript variant (1).
Genome position (GRCh38, 1-based): chr15:76,766,964, T>C on the plus strand (A>G on the coding strand, the complement: SCAPER is on the minus strand). VCF-style: chr15-76766964-T-C. GRCh37 (hg19) VCF-style: chr15-77059305-T-C.
Other names: c.635A>G, p.Glu212Gly (NM_001145923.2); c.1391A>G, p.Glu464Gly (NM_001353009.2); c.971A>G, p.Glu324Gly (NM_001353010.2, NM_001353012.2); c.989A>G, p.Glu330Gly (NM_001353011.2); c.1391A>G (NM_001353009.1); short protein forms E464G, E212G, E330G, E458G, E324G.
Identifiers: ClinVar variation 4925989 (VCV004925989.2).

ClinVar aggregate classification (germline): Uncertain significance. Review status: criteria provided, multiple submitters, no conflicts (2 of 4 stars). 2 submissions from 2 submitters: Uncertain significance (2). Last evaluated 2026-04-23.

Conditions:
SCAPER-related disorder. Also called: SCAPER-related condition.

gnomAD v4.1: 6 of 1,609,134 alleles (0.00037%); highest among the groups gnomAD compares: Non-Finnish European, 0.00042%; no homozygotes.

Submissions (2):

PreventionGenetics, part of Exact Sciences
Classification: Uncertain significance for SCAPER-related condition. Last evaluated: 2026-04-23. Review status: criteria provided, single submitter. Criteria: ACMG Guidelines, 2015. Collection method: clinical testing. Allele origin: germline.
Comment: The SCAPER c.1391A>G variant is predicted to result in the amino acid substitution p.Glu464Gly. To our knowledge, this variant has not been reported in the literature. This variant is reported in 0.00091% of alleles in individuals of European (Non-Finnish) descent in gnomAD. At this time, the clinical significance of this variant is uncertain due to the absence of conclusive functional and genetic evidence.

Blueprint Genetics
Classification: Uncertain significance. Last evaluated: 2021-07-13. Review status: criteria provided, single submitter. Criteria: ACMG Guidelines, 2015. Collection method: clinical testing. Allele origin: germline.